The following is an entry in ClinVar:

ClinVar aggregate classification (germline): Pathogenic/Likely pathogenic. Review status: criteria provided, multiple submitters, no conflicts (2 of 4 stars). 4 submissions from 4 submitters: Pathogenic (2); Likely pathogenic (2). Last evaluated 2025-09-13.

Conditions:
Meckel syndrome, type 4 (MKS4). Also called: MECKEL-GRUBER SYNDROME, TYPE 4. Identifiers: Orphanet 564, MedGen C1970161, MONDO:0012626, OMIM 611134.
Bardet-Biedl syndrome 14 (BBS14). Identifiers: Orphanet 110, MedGen C2673874, MONDO:0014442, OMIM 615991.
Joubert syndrome 5 (JBTS5). Identifiers: Orphanet 2318, MedGen C1857780, MONDO:0012432, OMIM 610188.
Leber congenital amaurosis 10 (LCA10). Identifiers: Orphanet 65, MedGen C1857821, MONDO:0012723, OMIM 611755.
Senior-Loken syndrome 6 (SLSN6). Identifiers: Orphanet 3156, MedGen C1857779, MONDO:0012433, OMIM 610189.
Meckel-Gruber syndrome. Also called: Dysencephalia splachnocystica; DYSENCEPHALIA SPLANCHNOCYSTICA; GRUBER SYNDROME. Identifiers: Orphanet 564, MedGen C0265215, MONDO:0018921.
Nephronophthisis. Also called: Juvenile Nephronophthisis. Identifiers: Orphanet 655, MedGen C0687120, MONDO:0019005, HP:0000090.
Joubert syndrome. Also called: Familial aplasia of the vermis; JOUBERT-BOLTSHAUSER SYNDROME. Identifiers: Orphanet 475, MedGen C5979921, MONDO:0018772.
Leber congenital amaurosis (LCA). Also called: Leber's amaurosis. Identifiers: Orphanet 65, MedGen C0339527, MeSH D057130, MONDO:0018998.
CEP290-related ciliopathy. Also called: CEP290 ciliopathy. Identifiers: MedGen CN305601, MONDO:0100451.

Submissions (4):

Myriad Genetics, Inc.
Classification: Pathogenic for CEP290-related ciliopathy. Last evaluated: 2025-09-13. Review status: criteria provided, single submitter. Criteria: Myriad Autosomal Dominant, Autosomal Recessive and X-Linked Classification Criteria (2023). Collection method: clinical testing. Allele origin: unknown.
Comment: NM_025114.3(CEP290):c.4677T>G(Y1559*) is expected to be pathogenic in the context of CEP290-related disorders. This variant is predicted to lead to an abnormal or absent protein product due to the creation of a premature termination codon in CEP290, a gene where loss-of-function variants are known to be pathogenic. Please note: this variant was assessed in the context of healthy population screening.

Natera, Inc.
Classification: Likely pathogenic for Leber congenital amaurosis. Last evaluated: 2025-02-12. Review status: criteria provided, single submitter. Criteria: Natera Variant Classification Schema (03/2026). Collection method: clinical testing. Allele origin: germline.
Comment: The c.4677T>G variant in CEP290 is a nonsense variant predicted to introduce a stop codon at amino acid 1559. This variant is expected to result in nonsense mediated decay, truncation, or a dysfunctional protein product. This variant is rare in the general population with a frequency below the threshold expected for the associated phenotype(s). Given the available evidence, this variant is classified as Likely Pathogenic.

Fulgent Genetics
Classification: Likely pathogenic for Joubert syndrome 5; Senior-Loken syndrome 6; Meckel syndrome, type 4; Leber congenital amaurosis 10; Bardet-Biedl syndrome 14. Last evaluated: 2024-02-29. Review status: criteria provided, single submitter. Criteria: ACMG Guidelines, 2015. Collection method: clinical testing. Allele origin: germline.

Labcorp Genetics (formerly Invitae), Labcorp
Classification: Pathogenic for Joubert syndrome; Meckel-Gruber syndrome; Nephronophthisis. Last evaluated: 2021-05-22. Review status: criteria provided, single submitter. Criteria: Invitae Variant Classification Sherloc (09022015). Collection method: clinical testing. Allele origin: germline.
Comment: This sequence change creates a premature translational stop signal (p.Tyr1559*) in the CEP290 gene. It is expected to result in an absent or disrupted protein product. Loss-of-function variants in CEP290 are known to be pathogenic (PMID: 16909394, 17345604, 20690115). This variant is not present in population databases (ExAC no frequency). This variant has not been reported in the literature in individuals with CEP290-related conditions. For these reasons, this variant has been classified as Pathogenic.

Literature cited by the submitters: PubMed 16909394 (cited by Labcorp Genetics (formerly Invitae), Labcorp); PubMed 17345604 (cited by Labcorp Genetics (formerly Invitae), Labcorp); PubMed 20690115 (cited by Labcorp Genetics (formerly Invitae), Labcorp).

NM_025114.4(CEP290):c.4677T>G (p.Tyr1559Ter)

Gene: CEP290 (centrosomal protein 290; minus strand). Cytogenetic location: 12q21.32.
Variant type: single nucleotide variant.
Coding change: c.4677T>G on transcript NM_025114.4 (MANE Select); coding-DNA position 4677, T replaced by G.
Protein change: p.Tyr1559Ter; replaces tyrosine 1559 with a stop codon.
Molecular consequence: nonsense.
Genome position (GRCh38, 1-based): chr12:88,084,613, A>C on the plus strand (T>G on the coding strand, the complement: CEP290 is on the minus strand). VCF-style: chr12-88084613-A-C. GRCh37 (hg19) VCF-style: chr12-88478390-A-C.
Other names: c.4677T>G (NM_025114.3); short protein forms Y1559*.
Identifiers: ClinVar variation 1447314 (VCV001447314.10), dbSNP rs2137182509, ClinGen allele CA385994556.
Genomic context (GRCh38, chr12:88,084,613, plus strand): 5'-GATAACAGCATAACTCATAATATAATAAAATACCTCTCTGGCTTTTTCTAGAAGACGTTG[A>C]TACTTCTTTAATACTTCTTCTTTTTGATTTAACCTTGCTTGCATGTTTGCAATGGTTTGA-3'